The following is an entry in ClinVar:

NM_001197104.2(KMT2A):c.8369G>C (p.Ser2790Thr)

Gene: KMT2A (lysine methyltransferase 2A; plus strand). Cytogenetic location: 11q23.3.
Variant type: single nucleotide variant.
Coding change: c.8369G>C on transcript NM_001197104.2 (MANE Select); coding-DNA position 8369, G replaced by C.
Protein change: p.Ser2790Thr; replaces serine 2790 with threonine.
Molecular consequence: missense variant.
Genome position (GRCh38, 1-based): chr11:118,504,261, G>C. VCF-style: chr11-118504261-G-C. GRCh37 (hg19) VCF-style: chr11-118374976-G-C.
Other names: c.8459G>C, p.Ser2820Thr (NM_001412597.1); c.8360G>C, p.Ser2787Thr (NM_005933.4); short protein forms S2787T, S2790T, S2820T.
Identifiers: ClinVar variation 4056820 (VCV004056820.1).

ClinVar aggregate classification (germline): Uncertain significance (1 of 4 stars; one submission).

gnomAD v4.1: 1 of 1,614,140 alleles (0.000062%); highest among the groups gnomAD compares: Non-Finnish European, 0.000085%; no homozygotes.

Submission:

GeneDx
Classification: Uncertain significance. Last evaluated: 2025-01-14. Review status: criteria provided, single submitter. Criteria: GeneDx Variant Classification Process June 2021. Collection method: clinical testing. Allele origin: germline. Affected: yes.
Comment: Not observed at significant frequency in large population cohorts (gnomAD); In silico analysis indicates that this missense variant does not alter protein structure/function; Has not been previously published as pathogenic or benign to our knowledge